The following is an entry in ClinVar:

ClinVar aggregate classification (germline): Uncertain significance (1 of 4 stars; one submission).

Submission:

Labcorp Genetics (formerly Invitae), Labcorp
Classification: Uncertain significance. Last evaluated: 2022-07-06. Review status: criteria provided, single submitter. Criteria: Invitae Variant Classification Sherloc (09022015). Collection method: clinical testing. Allele origin: germline.
Comment: In summary, the available evidence is currently insufficient to determine the role of this variant in disease. Therefore, it has been classified as a Variant of Uncertain Significance. This sequence change replaces proline, which is neutral and non-polar, with threonine, which is neutral and polar, at codon 397 of the RNF31 protein (p.Pro397Thr). This variant is not present in population databases (gnomAD no frequency). This variant has not been reported in the literature in individuals affected with RNF31-related conditions. Algorithms developed to predict the effect of missense changes on protein structure and function are either unavailable or do not agree on the potential impact of this missense change (SIFT: "Deleterious"; PolyPhen-2: "Benign"; Align-GVGD: "Class C0").

NM_017999.5(RNF31):c.1189C>A (p.Pro397Thr)

Gene: RNF31 (ring finger protein 31; plus strand). Cytogenetic location: 14q12.
Variant type: single nucleotide variant.
Coding change: c.1189C>A on transcript NM_017999.5 (MANE Select); coding-DNA position 1189, C replaced by A.
Protein change: p.Pro397Thr; replaces proline 397 with threonine.
Molecular consequence: missense variant.
Genome position (GRCh38, 1-based): chr14:24,150,440, C>A. VCF-style: chr14-24150440-C-A. GRCh37 (hg19) VCF-style: chr14-24619649-C-A.
Other names: c.736C>A, p.Pro246Thr (NM_001310332.2); short protein forms P246T, P397T.
Identifiers: ClinVar variation 2093126 (VCV002093126.4), dbSNP rs948618954, ClinGen allele CA389292452.